The following is an entry in ClinVar:

NM_014946.4(SPAST):c.1366G>A (p.Asp456Asn)

Gene: SPAST (spastin; plus strand). Cytogenetic location: 2p22.3.
Variant type: single nucleotide variant.
Coding change: c.1366G>A on transcript NM_014946.4 (MANE Select); coding-DNA position 1366, G replaced by A.
Protein change: p.Asp456Asn; replaces aspartic acid 456 with asparagine.
Molecular consequence: missense variant.
Genome position (GRCh38, 1-based): chr2:32,136,921, G>A. VCF-style: chr2-32136921-G-A. GRCh37 (hg19) VCF-style: chr2-32361990-G-A.
Other names: c.1363G>A, p.Asp455Asn (NM_001363823.2); c.1267G>A, p.Asp423Asn (NM_001363875.2); c.1270G>A, p.Asp424Asn (NM_001377959.1, NM_199436.2); short protein forms D423N, D424N, D455N, D456N.
Identifiers: ClinVar variation 1471192 (VCV001471192.8), dbSNP rs1330471269, ClinGen allele CA346502260.

ClinVar aggregate classification (germline): Uncertain significance. Review status: criteria provided, multiple submitters, no conflicts (2 of 4 stars). 3 submissions from 3 submitters: Uncertain significance (2). 1 of the submissions does not count toward it. Last evaluated 2024-12-02.

Conditions:
Hereditary spastic paraplegia 4. Also called: Spastic paraplegia 4, autosomal dominant; Spastic Paraplegia 4; Familial spastic paraplegia autosomal dominant 2. Identifiers: Orphanet 100985, MedGen C1866855, MONDO:0008438, OMIM 182601.
SPAST-related disorder. Also called: SPAST-related condition.

Allele frequency attached by ClinVar (database versions not stated): gnomAD exomes below 0.00001.
gnomAD v4.1: 3 of 1,613,860 alleles (0.00019%); highest among the groups gnomAD compares: East Asian, 0.0022%; no homozygotes.

Submissions (3):

Labcorp Genetics (formerly Invitae), Labcorp
Classification: Uncertain significance for Hereditary spastic paraplegia 4. Last evaluated: 2024-12-02. Review status: criteria provided, single submitter. Criteria: Invitae Variant Classification Sherloc (09022015). Collection method: clinical testing. Allele origin: germline.
Comment: This sequence change replaces aspartic acid, which is acidic and polar, with asparagine, which is neutral and polar, at codon 456 of the SPAST protein (p.Asp456Asn). The frequency data for this variant in the population databases is considered unreliable, as metrics indicate poor data quality at this position in the gnomAD database. This variant has not been reported in the literature in individuals affected with SPAST-related conditions. ClinVar contains an entry for this variant (Variation ID: 1471192). Invitae Evidence Modeling of protein sequence and biophysical properties (such as structural, functional, and spatial information, amino acid conservation, physicochemical variation, residue mobility, and thermodynamic stability) indicates that this missense variant is not expected to disrupt SPAST protein function with a negative predictive value of 80%. In summary, the available evidence is currently insufficient to determine the role of this variant in disease. Therefore, it has been classified as a Variant of Uncertain Significance.

GeneDx
Classification: Uncertain significance. Last evaluated: 2022-01-04. Review status: criteria provided, single submitter. Criteria: GeneDx Variant Classification Process June 2021. Collection method: clinical testing. Allele origin: germline. Affected: yes.
Comment: Not observed at significant frequency in large population cohorts (gnomAD); In silico analysis supports that this missense variant has a deleterious effect on protein structure/function; Has not been previously published as pathogenic or benign to our knowledge; This variant is associated with the following publications: (PMID: 21139634, 26094131)

PreventionGenetics, part of Exact Sciences
Classification: Uncertain significance for SPAST-related condition. Last evaluated: 2024-04-04. Review status: no assertion criteria provided. Collection method: clinical testing. Allele origin: germline. Not counted in ClinVar's aggregate classification.
Comment: The SPAST c.1366G>A variant is predicted to result in the amino acid substitution p.Asp456Asn. To our knowledge, this variant has not been reported in the literature. This variant is reported in 0.0054% of alleles in individuals of East Asian descent in gnomAD. At this time, the clinical significance of this variant is uncertain due to the absence of conclusive functional and genetic evidence.